The following is an entry in ClinVar:

NM_001430.5(EPAS1):c.1907A>T (p.Asn636Ile)

Gene: EPAS1 (endothelial PAS domain protein 1; plus strand). Cytogenetic location: 2p21.
Variant type: single nucleotide variant.
Coding change: c.1907A>T on transcript NM_001430.5 (MANE Select); coding-DNA position 1907, A replaced by T.
Protein change: p.Asn636Ile; replaces asparagine 636 with isoleucine.
Molecular consequence: missense variant.
Genome position (GRCh38, 1-based): chr2:46,380,579, A>T. VCF-style: chr2-46380579-A-T. GRCh37 (hg19) VCF-style: chr2-46607718-A-T.
Other names: short protein forms N636I.
Identifiers: ClinVar variation 3221583 (VCV003221583.1), dbSNP rs1295267550, ClinGen allele CA346705124.
Genomic context (GRCh38, chr2:46,380,579, plus strand): 5'-CCCTGCCACCGTGCTGTGGCCAGGCCAGCACCCCTCTCTCTTCCATGGGGGGCAGATCCA[A>T]TACCCAGTGGCCCCCAGATCCACCATTACATTTTGGGCCCACAAAGTGGGCCGTCGGGGA-3'
Protein context (NP_001421.2, residues 626-646): TPLSSMGGRS[Asn636Ile]TQWPPDPPLH

ClinVar aggregate classification (germline): Uncertain significance (1 of 4 stars; one submission).

Conditions:
Inborn genetic diseases. Identifiers: MedGen C0950123, MeSH D030342.

Submission:

Ambry Genetics
Classification: Uncertain significance for Inborn genetic diseases. Last evaluated: 2023-12-23. Review status: criteria provided, single submitter. Criteria: Ambry Variant Classification Scheme 2023. Collection method: clinical testing. Allele origin: germline.
Comment: The p.N636I variant (also known as c.1907A>T), located in coding exon 12 of the EPAS1 gene, results from an A to T substitution at nucleotide position 1907. The asparagine at codon 636 is replaced by isoleucine, an amino acid with dissimilar properties. This amino acid position is conserved. In addition, this alteration is predicted to be tolerated by in silico analysis. Since supporting evidence is limited at this time, the clinical significance of this alteration remains unclear.